The following is an entry in ClinVar:

NM_001134382.3(IQSEC1):c.1470dup (p.Tyr491fs)

Gene: IQSEC1 (IQ motif and Sec7 domain ArfGEF 1; minus strand). Cytogenetic location: 3p25.2.
Variant type: Duplication.
Coding change: c.1470dup on transcript NM_001134382.3 (MANE Select); coding-DNA position 1470, one base duplicated (C; older notation c.1470dupC).
Protein change: p.Tyr491fs; shifts the reading frame from tyrosine 491.
Molecular consequence: frameshift variant.
Genome position (GRCh38, 1-based): chr3:12,935,546, G duplicated on the plus strand (C on the coding strand, the reverse complement: IQSEC1 is on the minus strand); the first of 2 consecutive G bases (chr3:12,935,546-12,935,547); duplicating either gives the same sequence. VCF-style (leftmost placement, unchanged base first): chr3-12935545-A-AG. GRCh37 (hg19) VCF-style: chr3-12977045-A-AG.
Other names: c.1146dup, p.Tyr383fs (NM_001330619.3); c.1794dup, p.Tyr599fs (NM_001376938.2); c.1512dup, p.Tyr505fs (NM_014869.8); short protein forms Y383fs, Y491fs, Y505fs, Y599fs.
Identifiers: ClinVar variation 1331647 (VCV001331647.4), dbSNP rs2125304158, ClinGen allele CA2573052074.

ClinVar aggregate classification (germline): Likely pathogenic (1 of 4 stars; one submission).

Submission:

Greenwood Genetic Center Diagnostic Laboratories, Greenwood Genetic Center
Classification: Likely pathogenic. Last evaluated: 2021-01-13. Review status: criteria provided, single submitter. Criteria: ACMG Guidelines, 2015. Collection method: clinical testing. Allele origin: germline. Affected: yes.
Comment: PVS1, PM2